The following is an entry in ClinVar:

ClinVar aggregate classification (germline): Likely benign. Review status: criteria provided, multiple submitters, no conflicts (2 of 4 stars). 2 submissions from 2 submitters: Likely benign (2). Last evaluated 2023-08-01.

Allele frequency attached by ClinVar (database versions not stated): 1000 Genomes Project 30x 0.00047; ESP Exome Variant Server 0.00054; 1000 Genomes Project 0.00060; gnomAD 0.00074 and 0.00075; TOPMed 0.00079; gnomAD exomes 0.00090; ExAC 0.00121.

Submissions (2):

CeGaT Center for Human Genetics Tuebingen
Classification: Likely benign. Last evaluated: 2023-08-01. Review status: criteria provided, single submitter. Criteria: CeGaT Center For Human Genetics Tuebingen Variant Classification Criteria Version 2. Collection method: clinical testing. Allele origin: germline. Affected: yes. Observed: 1 variant allele.
Comment: SHANK1: BP4, BP7, BS1

Labcorp Genetics (formerly Invitae), Labcorp
Classification: Likely benign. Last evaluated: 2018-09-27. Review status: criteria provided, single submitter. Criteria: Invitae Variant Classification Sherloc (09022015). Collection method: clinical testing. Allele origin: germline.

NM_016148.5(SHANK1):c.5790C>T (p.Ser1930=)

Gene: SHANK1 (SH3 and multiple ankyrin repeat domains 1; minus strand). Cytogenetic location: 19q13.33.
Variant type: single nucleotide variant.
Coding change: c.5790C>T on transcript NM_016148.5 (MANE Select); coding-DNA position 5790, C replaced by T.
Protein change: p.Ser1930=; no amino-acid change (serine 1930 retained).
Molecular consequence: synonymous variant.
Genome position (GRCh38, 1-based): chr19:50,662,661, G>A on the plus strand (C>T on the coding strand, the complement: SHANK1 is on the minus strand). VCF-style: chr19-50662661-G-A. GRCh37 (hg19) VCF-style: chr19-51165918-G-A.
Identifiers: ClinVar variation 778174 (VCV000778174.27), dbSNP rs139140465, ClinGen allele CA9600938.